The following is an entry in ClinVar:

NM_000158.4(GBE1):c.1825G>A (p.Glu609Lys)

Gene: GBE1 (1,4-alpha-glucan branching enzyme 1; minus strand). Cytogenetic location: 3p12.2.
Variant type: single nucleotide variant.
Coding change: c.1825G>A on transcript NM_000158.4 (MANE Select); coding-DNA position 1825, G replaced by A.
Protein change: p.Glu609Lys; replaces glutamic acid 609 with lysine.
Molecular consequence: missense variant.
Genome position (GRCh38, 1-based): chr3:81,535,304, C>T on the plus strand (G>A on the coding strand, the complement: GBE1 is on the minus strand). VCF-style: chr3-81535304-C-T. GRCh37 (hg19) VCF-style: chr3-81584455-C-T.
Other names: NM_000158.4(GBE1):c.1825G>A; p.Glu609Lys; short protein forms E609K.
Identifiers: ClinVar variation 577677 (VCV000577677.26), dbSNP rs772802187, ClinGen allele CA2499542.

ClinVar aggregate classification (germline): Conflicting classifications of pathogenicity. Review status: criteria provided, conflicting classifications (1 of 4 stars). 12 submissions from 11 submitters: Pathogenic (1); Likely pathogenic (7); Uncertain significance (3). 1 of the submissions does not count toward it. Last evaluated 2026-01-14.

Conditions:
GBE1-related disorder. Also called: GBE1-related condition; GBE1-related disorders. Identifiers: MedGen CN239402.
Adult polyglucosan body disease (APBN). Also called: GBE1-Adult Polyglucosan Body Disease; POLYGLUCOSAN BODY DISEASE, ADULT FORM. Identifiers: Orphanet 206583, MedGen C1849722, MONDO:0009897, OMIM 263570.
Glycogen storage disease, type IV (GSD4). Also called: Glycogen storage disease due to glycogen branching enzyme deficiency; BRANCHER DEFICIENCY; CIRRHOSIS, FAMILIAL, WITH DEPOSITION OF ABNORMAL GLYCOGEN; GBE1 DEFICIENCY; GLYCOGEN BRANCHING ENZYME DEFICIENCY; GLYCOGENOSIS IV. Identifiers: Orphanet 367, MedGen C0017923, MONDO:0009292, OMIM 232500.
Glycogen storage disease IV, classic hepatic. Also called: GSD IV, CLASSIC HEPATIC. Identifiers: MedGen C1856301.

Allele frequency attached by ClinVar (database versions not stated): gnomAD 0.00004 and 0.00007; TOPMed 0.00017.
gnomAD v4.1: 73 of 1,609,352 alleles (0.0045%); highest among the groups gnomAD compares: East Asian, 0.11%; 1 homozygote.

Submissions (12):

Labcorp Genetics (formerly Invitae), Labcorp
Classification: Pathogenic for Glycogen storage disease, type IV; Glycogen storage disease IV, classic hepatic. Last evaluated: 2026-01-14. Review status: criteria provided, single submitter. Criteria: Invitae Variant Classification Sherloc (09022015). Collection method: clinical testing. Allele origin: germline.
Comment: This sequence change replaces glutamic acid, which is acidic and polar, with lysine, which is basic and polar, at codon 609 of the GBE1 protein (p.Glu609Lys). This variant is present in population databases (rs772802187, gnomAD 0.2%). This missense change has been observed in individual(s) with glycogen storage disease type IV (PMID: 30228975, 32455116). In at least one individual the data is consistent with being in trans (on the opposite chromosome) from a pathogenic variant. ClinVar contains an entry for this variant (Variation ID: 577677). Invitae Evidence Modeling of protein sequence and biophysical properties (such as structural, functional, and spatial information, amino acid conservation, physicochemical variation, residue mobility, and thermodynamic stability) has been performed for this missense variant. However, the output from this modeling did not meet the statistical confidence thresholds required to predict the impact of this variant on GBE1 protein function. Experimental studies have shown that this missense change affects GBE1 function (PMID: 30228975). For these reasons, this variant has been classified as Pathogenic.

PreventionGenetics, part of Exact Sciences
Classification: Likely pathogenic for GBE1-related condition. Last evaluated: 2025-11-13. Review status: criteria provided, single submitter. Criteria: ACMG Guidelines, 2015. Collection method: clinical testing. Allele origin: germline.
Comment: The GBE1 c.1825G>A variant is predicted to result in the amino acid substitution p.Glu609Lys. This variant was reported in the compound heterozygous state in three unrelated individuals with glycogen storage disease and erythrocyte GBE activity of ~10% (Iijima et al. 2018. PubMed ID: 30228975; Ichimoto et al. 2020. PubMed ID: 32455116). This variant is reported in 0.20% of alleles in individuals of East Asian descent in gnomAD. This variant is interpreted as likely pathogenic.

Mayo Clinic Laboratories, Mayo Clinic
Classification: Likely pathogenic. Last evaluated: 2025-08-12. Review status: criteria provided, single submitter. Criteria: ACMG Guidelines, 2015. Collection method: clinical testing. Allele origin: germline. Observed: 1 variant allele.
Comment: PP3, PP4, PM3_strong, PS3_moderate

Women's Health and Genetics/Laboratory Corporation of America, LabCorp
Classification: Uncertain significance. Last evaluated: 2025-05-21. Review status: criteria provided, single submitter. Criteria: LabCorp Variant Classification Summary - May 2015. Collection method: clinical testing. Allele origin: germline.
Comment: Variant summary: GBE1 c.1825G>A (p.Glu609Lys) results in a conservative amino acid change located in the Alpha-amylase/branching enzyme, C-terminal all beta domain (IPR006048) of the encoded protein sequence. Algorithms developed to predict the effect of missense changes on protein structure and function are either unavailable or do not agree on the potential impact of this missense change. The variant allele was found at a frequency of 0.00018 in 244706 control chromosomes. This frequency is not significantly higher than estimated for a pathogenic variant in GBE1 causing Glycogen Storage Disease, Type IV (0.00018 vs 0.0013), allowing no conclusion about variant significance. c.1825G>A has been reported in the literature as a biallelic compound heterozygous genotype in at-least two cases of Glycogen Storage Disease, Type IV with atypical liver pathology and one additional case with milder manifestations diagnosed as non-progressive GSD-IV (example, Inchimoto_2020, Iijima_2018). These data indicate that the variant may be associated with disease. At least one publication reports experimental evidence evaluating an impact on protein function (Iijima_2018). The most pronounced variant effect results in 53% of normal GBE enzyme activity in-vitro. Authors state that approximately 50% of GBE activity is compatible with the milder forms of GSG IV. Milder manifestations include non-progressive form (NP-GSD IV) and adult polyglucosan body disease (APBD). The following publications have been ascertained in the context of this evaluation (PMID: 32455116, 30228975, 33141444). ClinVar contains an entry for this variant (Variation ID: 577677). Based on the evidence outlined above, the variant was classified as VUS-possibly pathogenic.

Broad Center for Mendelian Genomics, Broad Institute of MIT and Harvard
Classification: Likely pathogenic for Glycogen storage disease, type IV. Last evaluated: 2025-05-05. Review status: criteria provided, single submitter. Criteria: ACMG Guidelines, 2015. Collection method: curation. Allele origin: germline. Inheritance: Autosomal recessive inheritance.
Comment: The p.Glu609Lys variant in GBE1 has been reported in 3 individuals with glycogen storage disease type IV (GSD IV) (PMID: 32455116, 30228975) and has been identified in 0.1% (50/44744) of East Asian chromosomes by the Genome Aggregation Database (gnomAD; dbSNP ID: rs772802187). This variant was also seen in a homozygote in gnomAD in the South Asian population. This variant has also been reported in ClinVar (Variation ID:577677) and has been interpreted as a variant of uncertain significance and likely pathogenic/pathogenic by multiple submitters. Although this variant has been seen in the general population in a heterozygous state, its frequency is not high enough to rule out a pathogenic role. Of the 3 affected individuals, 2 were compound heterozygotes that carried a reported pathogenic variant in trans, and 1 was a compound heterozygote that carried a variant of uncertain significance in trans, which increases the likelihood that the p.Glu609Lys variant is pathogenic (VariationID: 371491; PMID: 32455116, 30228975). In vitro functional studies provide some evidence that the p.Glu609Lys variant may slightly impact protein function (PMID: 30228975). However, these types of assays may not accurately represent biological function. Computational prediction tools and conservation analyses suggest that this variant may impact the protein, though this information is not predictive enough to determine pathogenicity. In summary, although additional studies are required to fully establish its clinical significance, this variant is likely pathogenic for autosomal recessive GSD IV. ACMG/AMP Criteria applied: PP3, PS3_supporting, PM3_strong (Richards 2015).

Baylor Genetics
Classification: Likely pathogenic for Glycogen storage disease, type IV. Last evaluated: 2024-03-26. Review status: criteria provided, single submitter. Criteria: ACMG Guidelines, 2015. Collection method: clinical testing. Allele origin: unknown.

Fulgent Genetics
Classification: Likely pathogenic for Glycogen storage disease, type IV; Adult polyglucosan body disease. Last evaluated: 2024-03-20. Review status: criteria provided, single submitter. Criteria: ACMG Guidelines, 2015. Collection method: clinical testing. Allele origin: germline.

Revvity Omics, Revvity
Classification: Likely pathogenic. Last evaluated: 2022-09-21. Review status: criteria provided, single submitter. Criteria: ACMG Guidelines, 2015. Collection method: clinical testing. Allele origin: germline.

Illumina Laboratory Services, Illumina
Classification: Uncertain significance for Glycogen storage disease, type IV. Last evaluated: 2018-01-13. Review status: criteria provided, single submitter. Criteria: ICSL Variant Classification Criteria 13 December 2019. Collection method: clinical testing. Allele origin: germline.

Illumina Laboratory Services, Illumina
Classification: Uncertain significance for Adult polyglucosan body disease. Last evaluated: 2018-01-13. Review status: criteria provided, single submitter. Criteria: ICSL Variant Classification Criteria 13 December 2019. Collection method: clinical testing. Allele origin: germline.

Juno Genomics, Hangzhou Juno Genomics, Inc
Classification: Likely pathogenic for Glycogen storage disease, type IV. Review status: criteria provided, single submitter. Criteria: ACMG Guidelines, 2015. Collection method: clinical testing. Allele origin: germline.
Comment: For recessive disorders, detected in trans with a pathogenic variant.;Patient's phenotype or family history is highly specific for a disease with a single genetic etiology.;Well-established in vitro or in vivo functional studies supportive of a damaging effect on the gene or gene product.

Natera, Inc.
Classification: Uncertain significance for Glycogen storage disease type IV. Last evaluated: 2020-09-16. Review status: no assertion criteria provided. Collection method: clinical testing. Allele origin: germline. Not counted in ClinVar's aggregate classification.

Literature cited by the submitters: PubMed 30228975 (cited by 3 submitters); PubMed 32455116 (cited by 3 submitters); PubMed 33141444 (cited by Mayo Clinic Laboratories, Mayo Clinic and Women's Health and Genetics/Laboratory Corporation of America, LabCorp).